The following is an entry in ClinVar:

ClinVar aggregate classification (germline): Conflicting classifications of pathogenicity. Review status: criteria provided, conflicting classifications (1 of 4 stars). 2 submissions from 2 submitters: Uncertain significance (1); Likely benign (1). Last evaluated 2024-03-06.

Conditions:
Arrhythmogenic cardiomyopathy with wooly hair and keratoderma. Also called: Arrhythmogenic cardiomyopathy with woolly hair and keratoderma; Carvajal syndrome; Dilated cardiomyopathy with woolly hair and keratoderma; PALMOPLANTAR KERATODERMA WITH LEFT VENTRICULAR CARDIOMYOPATHY AND WOOLLY HAIR. Identifiers: Orphanet 65282, MedGen C1854063, MONDO:0011581, OMIM 605676.
Arrhythmogenic right ventricular dysplasia 8 (ARVD8). Also called: ARRHYTHMOGENIC RIGHT VENTRICULAR DYSPLASIA, FAMILIAL, 8; Arrhythmogenic Right Ventricular Dysplasia/Cardiomyopathy 8; ARRHYTHMOGENIC RIGHT VENTRICULAR CARDIOMYOPATHY 8. Identifiers: MedGen C1843896, MONDO:0011831, OMIM 607450.
Cardiomyopathy (CMYO). Also called: Cardiomyopathies. Identifiers: Orphanet 167848, MedGen C0878544, MONDO:0004994, HP:0001638. Inheritance: Various modes of inheritance.

Allele frequency attached by ClinVar (database versions not stated): gnomAD exomes below 0.00001.
gnomAD v4.1: 5 of 1,613,570 alleles (0.00031%); highest among the groups gnomAD compares: South Asian, 0.0055%; no homozygotes.

Submissions (2):

Color Diagnostics, LLC DBA Color Health
Classification: Uncertain significance for Cardiomyopathy. Last evaluated: 2024-03-06. Review status: criteria provided, single submitter. Criteria: ACMG Guidelines, 2015. Collection method: clinical testing. Allele origin: germline.
Comment: This missense variant replaces threonine with isoleucine at codon 830 of the DSP protein. Computational prediction suggests that this variant may not impact protein structure and function (internally defined REVEL score threshold <= 0.5, PMID: 27666373). To our knowledge, functional studies have not been reported for this variant. This variant has not been reported in individuals affected with cardiovascular disorders in the literature. This variant has been identified in 2/251444 chromosomes in the general population by the Genome Aggregation Database (gnomAD). The available evidence is insufficient to determine the role of this variant in disease conclusively. Therefore, this variant is classified as a Variant of Uncertain Significance.

Labcorp Genetics (formerly Invitae), Labcorp
Classification: Likely benign for Arrhythmogenic cardiomyopathy with wooly hair and keratoderma; Arrhythmogenic right ventricular dysplasia 8. Last evaluated: 2023-08-30. Review status: criteria provided, single submitter. Criteria: Invitae Variant Classification Sherloc (09022015). Collection method: clinical testing. Allele origin: germline.

NM_004415.4(DSP):c.2489C>T (p.Thr830Ile)

Gene: DSP (desmoplakin; plus strand). Cytogenetic location: 6p24.3.
Variant type: single nucleotide variant.
Coding change: c.2489C>T on transcript NM_004415.4 (MANE Select); coding-DNA position 2489, C replaced by T.
Protein change: p.Thr830Ile; replaces threonine 830 with isoleucine.
Molecular consequence: missense variant.
Genome position (GRCh38, 1-based): chr6:7,575,347, C>T. VCF-style: chr6-7575347-C-T. GRCh37 (hg19) VCF-style: chr6-7575580-C-T.
Other names: c.2489C>T, p.Thr830Ile (NM_001008844.3, NM_001319034.2); short protein forms T830I.
Identifiers: ClinVar variation 2419456 (VCV002419456.11), dbSNP rs1274497690, ClinGen allele CA362681452.